The following is an entry in ClinVar:

ClinVar aggregate classification (germline): Conflicting classifications of pathogenicity. Review status: criteria provided, conflicting classifications (1 of 4 stars). 8 submissions from 8 submitters: Uncertain significance (1); Benign (2); Likely benign (4). 1 of the submissions does not count toward it. Last evaluated 2026-01-20.

Conditions:
TSC2-related disorder. Also called: TSC2-Related Disorders; TSC2-related condition.
Hereditary cancer-predisposing syndrome. Also called: Tumor predisposition; Hereditary Cancer Syndrome; Hereditary neoplastic syndrome; Neoplastic Syndromes, Hereditary. Identifiers: Orphanet 140162, MedGen C0027672, MeSH D009386, MONDO:0015356.
Tuberous sclerosis syndrome (TSC). Also called: Tuberous Sclerosis Complex; Tuberous sclerosis. Identifiers: Orphanet 805, MedGen C0041341, MONDO:0001734.
Tuberous sclerosis 2 (TSC2). Identifiers: Orphanet 805, MedGen C1860707, MONDO:0013199, OMIM 613254.

Allele frequency attached by ClinVar (database versions not stated): TOPMed 0.00007; gnomAD 0.00016; ESP Exome Variant Server 0.00023.

Submissions (8):

Labcorp Genetics (formerly Invitae), Labcorp
Classification: Benign for Tuberous sclerosis 2. Last evaluated: 2026-01-20. Review status: criteria provided, single submitter. Criteria: Invitae Variant Classification Sherloc (09022015). Collection method: clinical testing. Allele origin: germline.

Myriad Genetics, Inc.
Classification: Benign for Tuberous sclerosis 2. Last evaluated: 2025-05-28. Review status: criteria provided, single submitter. Criteria: Myriad Autosomal Dominant, Autosomal Recessive and X-Linked Classification Criteria (2023). Collection method: clinical testing. Allele origin: unknown.
Comment: This variant is considered benign. This variant is a silent/synonymous amino acid change and it is not expected to impact splicing.

Color Diagnostics, LLC DBA Color Health
Classification: Likely benign for Tuberous sclerosis syndrome. Last evaluated: 2022-09-30. Review status: criteria provided, single submitter. Criteria: ACMG Guidelines, 2015. Collection method: clinical testing. Allele origin: germline.

Genome-Nilou Lab
Classification: Likely benign for Tuberous sclerosis 2. Last evaluated: 2021-11-07. Review status: criteria provided, single submitter. Criteria: ACMG Guidelines, 2015. Collection method: clinical testing. Allele origin: germline. Affected: no.

GeneDx
Classification: Likely benign. Last evaluated: 2019-10-10. Review status: criteria provided, single submitter. Criteria: GeneDx Variant Classification Process June 2021. Collection method: clinical testing. Allele origin: germline. Affected: yes.
Comment: This variant is associated with the following publications: (PMID: 27149842)

Illumina Laboratory Services, Illumina
Classification: Uncertain significance for Tuberous sclerosis syndrome. Last evaluated: 2018-01-13. Review status: criteria provided, single submitter. Criteria: ICSL Variant Classification Criteria 13 December 2019. Collection method: clinical testing. Allele origin: germline.

Ambry Genetics
Classification: Likely benign for Hereditary cancer-predisposing syndrome. Last evaluated: 2015-04-21. Review status: criteria provided, single submitter. Criteria: Ambry Variant Classification Scheme 2023. Collection method: clinical testing. Allele origin: germline.

PreventionGenetics, part of Exact Sciences
Classification: Likely benign for TSC2-related condition. Last evaluated: 2024-09-17. Review status: no assertion criteria provided. Collection method: clinical testing. Allele origin: germline. Not counted in ClinVar's aggregate classification.
Comment: This variant is classified as likely benign based on ACMG/AMP sequence variant interpretation guidelines (Richards et al. 2015 PMID: 25741868, with internal and published modifications).

NM_000548.5(TSC2):c.3276G>A (p.Pro1092=)

Gene: TSC2 (TSC complex subunit 2; plus strand). Cytogenetic location: 16p13.3.
Variant type: single nucleotide variant.
Coding change: c.3276G>A on transcript NM_000548.5 (MANE Select); coding-DNA position 3276, G replaced by A.
Protein change: p.Pro1092=; no amino-acid change (proline 1092 retained).
Molecular consequence: synonymous variant.
Genome position (GRCh38, 1-based): chr16:2,079,420, G>A. VCF-style: chr16-2079420-G-A. GRCh37 (hg19) VCF-style: chr16-2129421-G-A.
Other names: c.3144G>A, p.Pro1048= (NM_001077183.3, NM_001370404.1); c.3276G>A, p.Pro1092= (NM_001114382.3); c.3036G>A, p.Pro1012= (NM_001318827.2); c.3000G>A, p.Pro1000= (NM_001318829.2); c.2544G>A, p.Pro848= (NM_001318831.2); c.3177G>A, p.Pro1059= (NM_001318832.2); c.3147G>A, p.Pro1049= (NM_001363528.2, NM_001370405.1, NM_021055.3); c.3276G>A (NM_000548.4).
Identifiers: ClinVar variation 238016 (VCV000238016.26), dbSNP rs368923127, ClinGen allele CA045093.